The following is an entry in ClinVar:

NM_133433.4(NIPBL):c.7456A>T (p.Lys2486Ter)

Gene: NIPBL (NIPBL cohesin loading factor; plus strand). Cytogenetic location: 5p13.2.
Variant type: single nucleotide variant.
Coding change: c.7456A>T on transcript NM_133433.4 (MANE Select); coding-DNA position 7456, A replaced by T.
Protein change: p.Lys2486Ter; replaces lysine 2486 with a stop codon.
Molecular consequence: nonsense.
Genome position (GRCh38, 1-based): chr5:37,058,936, A>T. VCF-style: chr5-37058936-A-T. GRCh37 (hg19) VCF-style: chr5-37059038-A-T.
Other names: c.7456A>T, p.Lys2486Ter (NM_015384.5); short protein forms K2486*.
Identifiers: ClinVar variation 3661564 (VCV003661564.2).

ClinVar aggregate classification (germline): Pathogenic (1 of 4 stars; one submission).

Conditions:
Cornelia de Lange syndrome 1 (CDLS1). Also called: Brachmann de Lange syndrome; NIPBL-Related Cornelia de Lange Syndrome; TYPUS DEGENERATIVUS AMSTELODAMENSIS. Identifiers: Orphanet 199, MedGen C4551851, MONDO:0007387, OMIM 122470.

Submission:

Labcorp Genetics (formerly Invitae), Labcorp
Classification: Pathogenic for Cornelia de Lange syndrome 1. Last evaluated: 2024-08-06. Review status: criteria provided, single submitter. Criteria: Invitae Variant Classification Sherloc (09022015). Collection method: clinical testing. Allele origin: germline.
Comment: This sequence change creates a premature translational stop signal (p.Lys2486*) in the NIPBL gene. It is expected to result in an absent or disrupted protein product. Loss-of-function variants in NIPBL are known to be pathogenic (PMID: 15318302, 19763162, 23505322, 29995837). This variant is not present in population databases (gnomAD no frequency). This variant has not been reported in the literature in individuals affected with NIPBL-related conditions. For these reasons, this variant has been classified as Pathogenic.

Literature cited by the submitters: PubMed 15318302; PubMed 19763162; PubMed 23505322; PubMed 29995837.